The following is an entry in ClinVar:

NM_000455.5(STK11):c.824C>T (p.Pro275Leu)

Gene: STK11 (serine/threonine kinase 11; plus strand). Cytogenetic location: 19p13.3.
Variant type: single nucleotide variant.
Coding change: c.824C>T on transcript NM_000455.5 (MANE Select); coding-DNA position 824, C replaced by T.
Protein change: p.Pro275Leu; replaces proline 275 with leucine.
Molecular consequence: missense variant.
Genome position (GRCh38, 1-based): chr19:1,221,302, C>T. VCF-style: chr19-1221302-C-T. GRCh37 (hg19) VCF-style: chr19-1221301-C-T.
Other names: short protein forms P275L.
Identifiers: ClinVar variation 480721 (VCV000480721.16), dbSNP rs1555738685, ClinGen allele CA402950647.

ClinVar aggregate classification (germline): Uncertain significance. Review status: criteria provided, multiple submitters, no conflicts (2 of 4 stars). 4 submissions from 4 submitters: Uncertain significance (4). Last evaluated 2025-09-23.

Conditions:
Hereditary cancer-predisposing syndrome. Also called: Hereditary neoplastic syndrome; Neoplastic Syndromes, Hereditary; Tumor predisposition; Hereditary Cancer Syndrome. Identifiers: Orphanet 140162, MedGen C0027672, MeSH D009386, MONDO:0015356.
Peutz-Jeghers syndrome (PJS). Also called: POLYPOSIS, HAMARTOMATOUS INTESTINAL; POLYPS-AND-SPOTS SYNDROME; Peutz-Jeghers polyposis; Periorificial lentiginosis syndrome. Identifiers: Orphanet 2869, MedGen C0031269, MeSH D010580, MONDO:0008280, OMIM 175200.

Submissions (4):

Color Diagnostics, LLC DBA Color Health
Classification: Uncertain significance for Hereditary cancer-predisposing syndrome. Last evaluated: 2025-09-23. Review status: criteria provided, single submitter. Criteria: ACMG Guidelines, 2015. Collection method: clinical testing. Allele origin: germline.
Comment: This missense variant replaces proline with leucine at codon 275 of the STK11 protein. Computational prediction is inconclusive regarding the impact of this variant on protein structure and function. To our knowledge, functional studies have not been reported for this variant. This variant has not been reported in individuals affected with STK11-related disorders in the literature. This variant has not been identified in the general population by the Genome Aggregation Database (gnomAD). The available evidence is insufficient to determine the role of this variant in disease conclusively. Therefore, this variant is classified as a Variant of Uncertain Significance.

Labcorp Genetics (formerly Invitae), Labcorp
Classification: Uncertain significance for Peutz-Jeghers syndrome. Last evaluated: 2025-05-13. Review status: criteria provided, single submitter. Criteria: Invitae Variant Classification Sherloc (09022015). Collection method: clinical testing. Allele origin: germline.
Comment: This sequence change replaces proline, which is neutral and non-polar, with leucine, which is neutral and non-polar, at codon 275 of the STK11 protein (p.Pro275Leu). This variant is not present in population databases (gnomAD no frequency). This variant has not been reported in the literature in individuals affected with STK11-related conditions. ClinVar contains an entry for this variant (Variation ID: 480721). Invitae Evidence Modeling of protein sequence and biophysical properties (such as structural, functional, and spatial information, amino acid conservation, physicochemical variation, residue mobility, and thermodynamic stability) has been performed for this missense variant. However, the output from this modeling did not meet the statistical confidence thresholds required to predict the impact of this variant on STK11 protein function. Experimental studies have shown that this missense change does not substantially affect STK11 function (PMID: 34849607). In summary, the available evidence is currently insufficient to determine the role of this variant in disease. Therefore, it has been classified as a Variant of Uncertain Significance.

Ambry Genetics
Classification: Uncertain significance for Hereditary cancer-predisposing syndrome. Last evaluated: 2023-12-27. Review status: criteria provided, single submitter. Criteria: Ambry Variant Classification Scheme 2023. Collection method: clinical testing. Allele origin: germline.
Comment: The p.P275L variant (also known as c.824C>T), located in coding exon 6 of the STK11 gene, results from a C to T substitution at nucleotide position 824. The proline at codon 275 is replaced by leucine, an amino acid with similar properties. This amino acid position is highly conserved in available vertebrate species. In addition, the in silico prediction for this alteration is inconclusive. Since supporting evidence is limited at this time, the clinical significance of this alteration remains unclear.

Genome-Nilou Lab
Classification: Uncertain significance for Peutz-Jeghers syndrome. Last evaluated: 2021-07-15. Review status: criteria provided, single submitter. Criteria: ACMG Guidelines, 2015. Collection method: clinical testing. Allele origin: germline. Affected: no.

Literature cited by the submitters: PubMed 34849607 (cited by Labcorp Genetics (formerly Invitae), Labcorp).